The following is an entry in ClinVar:

ClinVar aggregate classification (germline): Benign. Review status: criteria provided, single submitter (1 of 4 stars). 2 submissions from 2 submitters: Benign (1). 1 of the submissions does not count toward it. Last evaluated 2018-01-30.

Conditions:
TRIM36-related disorder. Also called: TRIM36-related condition.

Allele frequency attached by ClinVar (database versions not stated): TOPMed 0.00039; gnomAD exomes 0.00083 and 0.00045; ExAC 0.00085; 1000 Genomes Project 30x 0.00125; gnomAD 0.00051; 1000 Genomes Project 0.00160.
gnomAD v4.1: 710 of 1,607,046 alleles (0.044%); highest among the groups gnomAD compares: East Asian, 1.5%; 8 homozygotes.

Submissions (2):

Labcorp Genetics (formerly Invitae), Labcorp
Classification: Benign. Last evaluated: 2018-01-30. Review status: criteria provided, single submitter. Criteria: Invitae Variant Classification Sherloc (09022015). Collection method: clinical testing. Allele origin: germline.

PreventionGenetics, part of Exact Sciences
Classification: Benign for TRIM36-related condition. Last evaluated: 2019-09-17. Review status: no assertion criteria provided. Collection method: clinical testing. Allele origin: germline. Not counted in ClinVar's aggregate classification.
Comment: This variant is classified as benign based on ACMG/AMP sequence variant interpretation guidelines (Richards et al. 2015 PMID: 25741868, with internal and published modifications).

NM_001300759.2(TRIM36):c.2137C>G (p.Gln713Glu)

Gene: TRIM36 (tripartite motif containing 36; minus strand). Cytogenetic location: 5q22.3.
Variant type: single nucleotide variant.
Coding change: c.2137C>G on transcript NM_001300759.2 (MANE Select); coding-DNA position 2137, C replaced by G.
Protein change: p.Gln713Glu; replaces glutamine 713 with glutamic acid.
Molecular consequence: missense variant.
Genome position (GRCh38, 1-based): chr5:115,126,517, G>C on the plus strand (C>G on the coding strand, the complement: TRIM36 is on the minus strand). VCF-style: chr5-115126517-G-C. GRCh37 (hg19) VCF-style: chr5-114462214-G-C.
Other names: c.1708C>G, p.Gln570Glu (NM_001300752.2); c.2173C>G, p.Gln725Glu (NM_018700.4); short protein forms Q713E, Q570E, Q725E.
Identifiers: ClinVar variation 721327 (VCV000721327.5), dbSNP rs3749745, ClinGen allele CA3373226.
Genomic context (GRCh38, chr5:115,126,517, plus strand): 5'-TTGCTTTGTTTACAGTTTTTATCCTGAGTCACATCAGATGTTTCAACTACATGTCCTCTT[G>C]GTATTCCAGATATTTTGCTGTGATGGGTTCTTCAAGCTGAATTCCTCCACTGCCCATTAA-3'
Protein context (NP_001287688.1, residues 703-716): EPITAKYLEY[Gln713Glu]EDM